The following is an entry in ClinVar:

ClinVar aggregate classification (germline): Uncertain significance (1 of 4 stars; one submission).

Conditions:
ADCY3-related disorder. Also called: ADCY3-related condition.

Submission:

PreventionGenetics, part of Exact Sciences
Classification: Uncertain significance for ADCY3-related condition. Last evaluated: 2024-11-15. Review status: criteria provided, single submitter. Criteria: ACMG Guidelines, 2015. Collection method: clinical testing. Allele origin: germline.
Comment: The ADCY3 c.58T>G variant is predicted to result in the amino acid substitution p.Tyr20Asp. To our knowledge, this variant has not been reported in the literature or in a large population database (gnomAD), indicating this variant is rare. At this time, the clinical significance of this variant is uncertain due to the absence of conclusive functional and genetic evidence.

NM_004036.5(ADCY3):c.58T>G (p.Tyr20Asp)

Gene: ADCY3 (adenylate cyclase 3; minus strand). Cytogenetic location: 2p23.3.
Variant type: single nucleotide variant.
Coding change: c.58T>G on transcript NM_004036.5 (MANE Select); coding-DNA position 58, T replaced by G.
Protein change: p.Tyr20Asp; replaces tyrosine 20 with aspartic acid.
Molecular consequence: missense variant.
Genome position (GRCh38, 1-based): chr2:24,918,930, A>C on the plus strand (T>G on the coding strand, the complement: ADCY3 is on the minus strand). VCF-style: chr2-24918930-A-C. GRCh37 (hg19) VCF-style: chr2-25141799-A-C.
Other names: c.58T>G, p.Tyr20Asp (NM_001320613.2, NM_001377128.1, NM_001377129.1 and 2 more transcripts); short protein forms Y20D.
Identifiers: ClinVar variation 4998676 (VCV004998676.1).
Genomic context (GRCh38, chr2:24,918,930, plus strand): 5'-CCGAGATTTCATGGGTCCGGCCCACCCCGCGGTCAGGGTCGGAGGGCAGGCTGACGGAGT[A>C]CTCGGCTGAGTACTCGGCCGAGTATTCGGGCTCGGAGAAGCCCTGGTTCCTCGGCATACT-3'
Protein context (NP_004027.2, residues 10-30): PEYSAEYSAE[Tyr20Asp]SVSLPSDPDR